The following is an entry in ClinVar:

NM_001267550.2(TTN):c.105754C>T (p.Arg35252Ter)

Genes: TTN-AS1 (TTN antisense RNA 1; plus strand), TTN (titin; minus strand), LOC129935183 (ATAC-STARR-seq lymphoblastoid active region 16808; plus strand). Cytogenetic location: 2q31.2.
Variant type: single nucleotide variant.
Coding change: c.105754C>T on transcript NM_001267550.2 (MANE Select); coding-DNA position 105754, C replaced by T.
Protein change: p.Arg35252Ter; replaces arginine 35252 with a stop codon.
Molecular consequence: nonsense.
Genome position (GRCh38, 1-based): chr2:178,530,861, G>A on the plus strand (C>T on the coding strand, the complement: TTN is on the minus strand). VCF-style: chr2-178530861-G-A. GRCh37 (hg19) VCF-style: chr2-179395588-G-A.
Other names: c.105754C>T (NM_001267550.1); c.100831C>T, p.Arg33611Ter (NM_001256850.1); c.78559C>T, p.Arg26187Ter (NM_003319.4); c.98050C>T, p.Arg32684Ter (NM_133378.4); c.78934C>T, p.Arg26312Ter (NM_133432.3); c.79135C>T, p.Arg26379Ter (NM_133437.4); short protein forms R35252*, R32684*, R33611*, R26312*, R26379*, R26187*.
Identifiers: ClinVar variation 288511 (VCV000288511.20), dbSNP rs886043924, ClinGen allele CA10606117.
Genomic context (GRCh38, chr2:178,530,861, plus strand): 5'-TTGGTTTTGTCTCTGTGGGTGATACGGCTTTCGGGTGAGAAGGTTCTGGAGATTTCACTC[G>A]TTTTGGAGACTTAACTGCTTCTGGGGATTTCACCCGAGGCTCTGGGGATTTGACTCTTGG-3'

ClinVar aggregate classification (germline): Pathogenic/Likely pathogenic. Review status: criteria provided, multiple submitters, no conflicts (2 of 4 stars). 7 submissions from 7 submitters: Pathogenic (2); Likely pathogenic (5). Last evaluated 2025-12-08.

Conditions:
Cardiovascular phenotype. Identifiers: MedGen CN230736.
Dilated cardiomyopathy 1G (CMD1G). Identifiers: Orphanet 154, MedGen C1858763, MONDO:0011400, OMIM 604145.
Autosomal recessive limb-girdle muscular dystrophy type 2J (LGMDR10). Also called: Limb-girdle muscular dystrophy, type 2J; MUSCULAR DYSTROPHY, LIMB-GIRDLE, AUTOSOMAL RECESSIVE 10. Identifiers: Orphanet 140922, MedGen C1837342, MONDO:0012127, OMIM 608807.
Primary dilated cardiomyopathy (DCM). Also called: Dilated Cardiomyopathy. Identifiers: Orphanet 217604, MedGen C0007193, MeSH D002311, MONDO:0005021, HP:0001644. Inheritance: Various modes of inheritance.

Allele frequency attached by ClinVar (database versions not stated): gnomAD 0.00001; TOPMed 0.00003.
gnomAD v4.1: 7 of 1,613,688 alleles (0.00043%); highest among the groups gnomAD compares: African/African-American, 0.004%; no homozygotes.

Submissions (7):

Labcorp Genetics (formerly Invitae), Labcorp
Classification: Pathogenic for Dilated cardiomyopathy 1G; Autosomal recessive limb-girdle muscular dystrophy type 2J. Last evaluated: 2025-12-08. Review status: criteria provided, single submitter. Criteria: Invitae Variant Classification Sherloc (09022015). Collection method: clinical testing. Allele origin: germline.
Comment: This sequence change creates a premature translational stop signal (p.Arg35252*) in the TTN gene. While this is not anticipated to result in nonsense mediated decay, it is expected to create a truncated TTN protein. This variant is present in population databases (no rsID available, gnomAD 0.01%). This premature translational stop signal has been observed in individuals with autosomal recessive congenital myopathy and autosomal dominant dilated cardiomyopathy (PMID: 33996946, 35387801; internal data). ClinVar contains an entry for this variant (Variation ID: 288511). This variant is located in the M band of TTN (PMID: 25589632). Truncating variants in this region have been previously reported in individuals affected with autosomal dominant or autosomal recessive myopathy and muscular dystrophy (PMID: 18948003, 23975875, 24395473). Truncating variants in this region have also been identified in individuals affected with autosomal dominant dilated cardiomyopathy and/or cardio-related conditions (PMID: 27869827, 32964742, internal data). For these reasons, this variant has been classified as Pathogenic.

GeneDx
Classification: Pathogenic. Last evaluated: 2025-04-28. Review status: criteria provided, single submitter. Criteria: GeneDx Variant Classification Process June 2021. Collection method: clinical testing. Allele origin: germline. Affected: yes.
Comment: Reported in one individual from a cohort of patients with dilated cardiomyopathy; additional patient-specific information was not provided (PMID: 33996946); Not observed at significant frequency in large population cohorts (gnomAD); Nonsense variant predicted to result in protein truncation or nonsense mediated decay in a gene for which loss of function is a known mechanism of disease; Located in the M-band, a region of TTN for which truncating variants are significantly associated with autosomal recessive skeletal myopathies and also with autosomal dominant cardiomyopathy (PMID: 17444505, 32778822, 36637017); This variant is associated with the following publications: (PMID: 17444505, 32778822, 36637017, 35387801, 33996946)

Clinical Genomics Laboratory, Washington University in St. Louis
Classification: Likely pathogenic for Dilated cardiomyopathy 1G. Last evaluated: 2024-08-08. Review status: criteria provided, single submitter. Criteria: ACMG Guidelines, 2015. Collection method: clinical testing. Allele origin: germline. Affected: yes.
Comment: The TTN c.105754C>T (p.Arg35252*) variant, in trans with a second pathogenic truncating variant, has been observed in an individual with clinical features of autosomal recessive congenital myopathy (Hong SE et al., PMID: 35387801). This exon is located in the M-band region of the N2-B isoform of the titin protein and is constitutively expressed in TTN transcripts. This variant causes a premature termination codon, which is predicted to lead to nonsense mediated decay. Based on available information and the ACMG/AMP guidelines for variant interpretation (Richards S et al., PMID: 25741868), this variant is classified as likely pathogenic.

Ambry Genetics
Classification: Likely pathogenic for Cardiovascular phenotype. Last evaluated: 2022-11-03. Review status: criteria provided, single submitter. Criteria: Ambry Variant Classification Scheme 2023. Collection method: clinical testing. Allele origin: germline.
Comment: The p.R26187* variant (also known as c.78559C>T), located in coding exon 185 of the TTN gene, results from a C to T substitution at nucleotide position 78559. This changes the amino acid from an arginine to a stop codon within coding exon 185. This exon is located in the M-band region of the N2-B isoform of the titin protein and is constitutively expressed in TTN transcripts (percent spliced in or PSI 100%). This alteration is expected to result in loss of function by premature protein truncation or nonsense-mediated mRNA decay. While truncating variants in TTN are present in 1-3% of the general population, truncating variants in the M-band have been reported in association with autosomal recessive titinopathies, primarily presenting with skeletal myopathy phenotypes (Ceyhan-Birsoy O et al. Neurology. 2013 Oct 1;81(14):1205-14; De Cid R et al. Neurology. 2015;85(24):2126-35). In addition, regardless of their position, TTN truncating variants encoded in constitutive exons (PSI >90%) have been found to be significantly associated with dilated cardiomyopathy (DCM), though truncating variants in the A-band are the most common cause of DCM (Herman DS et al. N. Engl. J. Med., 2012 Feb;366:619-28; Roberts AM et al. Sci Transl Med, 2015 Jan;7:270ra6; Schafer S et al. Nat. Genet., 2017 01;49:46-53). Based on the majority of available evidence to date, this variant is likely to be pathogenic in association with autosomal recessive titinopathy; however, the clinical significance of this alteration with respect to cardiomyopathy remains unclear. (Carmignac V et al. Ann Neurol, 2007 Apr;61:340-51). (Nallamilli BRR et al. Ann Clin Transl Neurol, 2018 Dec;5:1574-1587).

Revvity Omics, Revvity
Classification: Likely pathogenic. Last evaluated: 2022-04-21. Review status: criteria provided, single submitter. Criteria: ACMG Guidelines, 2015. Collection method: clinical testing. Allele origin: germline.

Laboratory for Molecular Medicine, Mass General Brigham Personalized Medicine
Classification: Likely pathogenic for Primary dilated cardiomyopathy. Last evaluated: 2018-07-26. Review status: criteria provided, single submitter. Criteria: ACMG Guidelines, 2015. Collection method: clinical testing. Allele origin: germline.
Comment: The p.Arg32684X variant in TTN has not been previously reported in individuals with cardiomyopathy, but has been identified in 1/15278 African and 1/9842 Ashkenazi Jewish chromosomes by the Genome Aggregation Database (gnomAD; dbSNP rs886043924) and in ClinVar (Variation ID: 288511). This nonsense variant leads to a premature termination codon at position 32684, which is predicted to lead to a truncated or absent protein. The p.Arg32684X variant is located in M-band. Truncating variants in this domain are prevalent in the general population (Pugh 2014) but there is also some evidence linking them to disease. Homozygous frameshift variants have been described in two families with early onset myopathy and DCM (Carmignac 2007) and heterozygous truncating variants have been reported in individuals with tibial muscular dystrophy without cardiomyopathy (Hackman 2002, Hackman 2008). In summary, although additional studies are required to fully establish its clinical significance, the p.Arg32684X variant is likely pathogenic. ACMG/AMP Criteria applied: PVS1_Strong; PM2.

Eurofins Ntd Llc (ga)
Classification: Likely pathogenic. Last evaluated: 2016-06-21. Review status: criteria provided, single submitter. Criteria: EGL Classification Definitions 2015. Collection method: clinical testing. Allele origin: germline. Observed: 2 variant alleles, 2 heterozygotes.

Literature cited by the submitters: PubMed 33996946 (cited by Labcorp Genetics (formerly Invitae), Labcorp); PubMed 35387801 (cited by Labcorp Genetics (formerly Invitae), Labcorp); PubMed 25589632 (cited by Labcorp Genetics (formerly Invitae), Labcorp); PubMed 18948003 (cited by Labcorp Genetics (formerly Invitae), Labcorp); PubMed 23975875 (cited by Labcorp Genetics (formerly Invitae), Labcorp); PubMed 24395473 (cited by Labcorp Genetics (formerly Invitae), Labcorp); PubMed 27869827 (cited by Labcorp Genetics (formerly Invitae), Labcorp); PubMed 32964742 (cited by Labcorp Genetics (formerly Invitae), Labcorp).